The following is an entry in ClinVar:

NM_020822.3(KCNT1):c.3488C>T (p.Pro1163Leu)

Gene: KCNT1 (potassium sodium-activated channel subfamily T member 1; plus strand). Cytogenetic location: 9q34.3.
Variant type: single nucleotide variant.
Coding change: c.3488C>T on transcript NM_020822.3 (MANE Select); coding-DNA position 3488, C replaced by T.
Protein change: p.Pro1163Leu; replaces proline 1163 with leucine.
Molecular consequence: missense variant.
Genome position (GRCh38, 1-based): chr9:135,786,507, C>T. VCF-style: chr9-135786507-C-T. GRCh37 (hg19) VCF-style: chr9-138678353-C-T.
Other names: c.3353C>T, p.Pro1118Leu (NM_001272003.2); short protein forms P1163L, P1118L.
Identifiers: ClinVar variation 663699 (VCV000663699.12), dbSNP rs1439404936, ClinGen allele CA375492451.

ClinVar aggregate classification (germline): Uncertain significance. Review status: criteria provided, multiple submitters, no conflicts (2 of 4 stars). 5 submissions from 4 submitters: Uncertain significance (5). Last evaluated 2025-09-02.

Conditions:
Autosomal dominant nocturnal frontal lobe epilepsy 5. Also called: Epilepsy, nocturnal frontal lobe, 5; KCNT1-Related Epilepsy; CILIARY DYSKINESIA, PRIMARY, 28, WITHOUT SITUS INVERSUS; CILIARY DYSKINESIA, PRIMARY, 28, WITH SITUS INVERSUS. Identifiers: Orphanet 98784, MedGen C3554306, MONDO:0014002, OMIM 615005.
Developmental and epileptic encephalopathy, 14 (DEE14). Also called: Early infantile epileptic encephalopathy 14. Identifiers: Orphanet 293181, MedGen C3554195, MONDO:0013989, OMIM 614959.

Allele frequency attached by ClinVar (database versions not stated): gnomAD exomes below 0.00001 and 0.00001; gnomAD 0.00002; TOPMed 0.00004.
gnomAD v4.1: 10 of 1,594,764 alleles (0.00063%); highest among the groups gnomAD compares: African/African-American, 0.012%; no homozygotes.

Submissions (5):

Labcorp Genetics (formerly Invitae), Labcorp
Classification: Uncertain significance for Autosomal dominant nocturnal frontal lobe epilepsy 5; Developmental and epileptic encephalopathy, 14. Last evaluated: 2025-09-02. Review status: criteria provided, single submitter. Criteria: Invitae Variant Classification Sherloc (09022015). Collection method: clinical testing. Allele origin: germline.
Comment: This sequence change replaces proline, which is neutral and non-polar, with leucine, which is neutral and non-polar, at codon 1163 of the KCNT1 protein (p.Pro1163Leu). The frequency data for this variant in the population databases is considered unreliable, as metrics indicate poor data quality at this position in the gnomAD database. This variant has not been reported in the literature in individuals affected with KCNT1-related conditions. ClinVar contains an entry for this variant (Variation ID: 663699). Invitae Evidence Modeling of protein sequence and biophysical properties (such as structural, functional, and spatial information, amino acid conservation, physicochemical variation, residue mobility, and thermodynamic stability) indicates that this missense variant is not expected to disrupt KCNT1 protein function with a negative predictive value of 80%. In summary, the available evidence is currently insufficient to determine the role of this variant in disease. Therefore, it has been classified as a Variant of Uncertain Significance.

Genome-Nilou Lab
Classification: Uncertain significance for Developmental and epileptic encephalopathy, 14. Last evaluated: 2022-03-15. Review status: criteria provided, single submitter. Criteria: ACMG Guidelines, 2015. Collection method: clinical testing. Allele origin: germline. Affected: no.

Genome-Nilou Lab
Classification: Uncertain significance for Autosomal dominant nocturnal frontal lobe epilepsy 5. Last evaluated: 2022-03-15. Review status: criteria provided, single submitter. Criteria: ACMG Guidelines, 2015. Collection method: clinical testing. Allele origin: germline. Affected: no.

New York Genome Center
Classification: Uncertain significance for Developmental and epileptic encephalopathy, 14. Last evaluated: 2020-09-19. Review status: criteria provided, single submitter. Criteria: NYGC Assertion Criteria 2020. Collection method: clinical testing. Allele origin: inherited. Observed: 1 heterozygote. Study: CSER-NYCKidSeq.

GeneDx
Classification: Uncertain significance. Last evaluated: 2019-09-06. Review status: criteria provided, single submitter. Criteria: GeneDx Variant Classification Process June 2021. Collection method: clinical testing. Allele origin: germline. Affected: yes.
Comment: In silico analysis, which includes protein predictors and evolutionary conservation, supports a deleterious effect; Has not been previously published as pathogenic or benign to our knowledge